The following is an entry in ClinVar:

ClinVar aggregate classification (germline): Conflicting classifications of pathogenicity. Review status: criteria provided, conflicting classifications (1 of 4 stars). 3 submissions from 3 submitters: Uncertain significance (2); Likely benign (1). Last evaluated 2025-04-02.

Conditions:
Arrhythmogenic right ventricular dysplasia 11. Also called: Arrhythmogenic Right Ventricular Dysplasia/Cardiomyopathy11; ARRHYTHMOGENIC RIGHT VENTRICULAR DYSPLASIA, FAMILIAL, 11; Arrhythmogenic right ventricular dysplasia 11 with mild palmoplantar keratoderma and woolly hair. Identifiers: MedGen C1864850, MONDO:0012506, OMIM 610476.
Cardiovascular phenotype. Identifiers: MedGen CN230736.
Familial isolated arrhythmogenic right ventricular dysplasia. Identifiers: Orphanet 217656, MedGen C4274968, MONDO:0016342.

Submissions (3):

Ambry Genetics
Classification: Likely benign for Cardiovascular phenotype. Last evaluated: 2025-04-02. Review status: criteria provided, single submitter. Criteria: Ambry Variant Classification Scheme 2023. Collection method: clinical testing. Allele origin: germline.

All of Us Research Program, National Institutes of Health
Classification: Uncertain significance for Familial isolated arrhythmogenic right ventricular dysplasia. Last evaluated: 2023-05-15. Review status: criteria provided, single submitter. Criteria: ACMG Guidelines, 2015. Collection method: clinical testing. Allele origin: germline. Inheritance: Autosomal dominant inheritance. Observed: 1 variant allele, 1 heterozygote.
Comment: This missense variant replaces valine with methionine at codon 258 of the DSC2 protein. Computational prediction suggests that this variant may not impact protein structure and function (internally defined REVEL score threshold <= 0.5, PMID: 27666373). To our knowledge, functional studies have not been reported for this variant. This variant has not been reported in individuals affected with DSC2-related disorders in the literature. This variant has not been identified in the general population by the Genome Aggregation Database (gnomAD). The available evidence is insufficient to determine the role of this variant in disease conclusively. Therefore, this variant is classified as a Variant of Uncertain Significance.

This study involves interpretation of variants in research participants for the purpose of population health screening. Participant phenotype was not available at the time of variant classification. Additional details can be found in publication PMID: 35346344, PMCID: PMC8962531

Labcorp Genetics (formerly Invitae), Labcorp
Classification: Uncertain significance for Arrhythmogenic right ventricular dysplasia 11. Last evaluated: 2018-07-08. Review status: criteria provided, single submitter. Criteria: Invitae Variant Classification Sherloc (09022015). Collection method: clinical testing. Allele origin: germline.
Comment: This sequence change replaces valine with methionine at codon 258 of the DSC2 protein (p.Val258Met). The valine residue is weakly conserved and there is a small physicochemical difference between valine and methionine. This variant is not present in population databases (ExAC no frequency) and has not been reported in the literature in individuals with a DSC2-related disease. Algorithms developed to predict the effect of missense changes on protein structure and function do not agree on the potential impact of this missense change (SIFT: "Tolerated"; PolyPhen-2: "Probably Damaging"; Align-GVGD: "Class C0"). In summary, this variant is a novel missense change with uncertain impact on protein function. It has been classified as a Variant of Uncertain Significance.

NM_024422.6(DSC2):c.772G>A (p.Val258Met)

Gene: DSC2 (desmocollin 2; minus strand). Cytogenetic location: 18q12.1.
Variant type: single nucleotide variant.
Coding change: c.772G>A on transcript NM_024422.6 (MANE Select); coding-DNA position 772, G replaced by A.
Protein change: p.Val258Met; replaces valine 258 with methionine.
Molecular consequence: missense variant.
Genome position (GRCh38, 1-based): chr18:31,087,672, C>T on the plus strand (G>A on the coding strand, the complement: DSC2 is on the minus strand). VCF-style: chr18-31087672-C-T. GRCh37 (hg19) VCF-style: chr18-28667635-C-T.
Other names: c.772G>A (NM_024422.3); c.772G>A, p.Val258Met (NM_004949.5); short protein forms V258M.
Identifiers: ClinVar variation 410654 (VCV000410654.11), dbSNP rs1060502992, ClinGen allele CA16616026.